The following is an entry in ClinVar:

ClinVar aggregate classification (germline): Conflicting classifications of pathogenicity. Review status: criteria provided, conflicting classifications (1 of 4 stars). 4 submissions from 4 submitters: Uncertain significance (3); Likely benign (1). Last evaluated 2024-05-23.

Conditions:
Seckel syndrome 1 (SCKL1). Also called: MICROCEPHALIC PRIMORDIAL DWARFISM I. Identifiers: Orphanet 808, MedGen C4551474, MONDO:0008869, OMIM 210600.
Familial cutaneous telangiectasia and oropharyngeal predisposition cancer syndrome. Identifiers: Orphanet 313846, MedGen C3281203, MONDO:0013806, OMIM 614564.

Allele frequency attached by ClinVar (database versions not stated): gnomAD 0.00001; gnomAD exomes 0.00002 and 0.00005; ExAC 0.00003; TOPMed 0.00003.
gnomAD v4.1: 15 of 1,611,972 alleles (0.00093%); highest among the groups gnomAD compares: Admixed American, 0.022%; no homozygotes.

Submissions (4):

Fulgent Genetics
Classification: Uncertain significance for Seckel syndrome 1; Familial cutaneous telangiectasia and oropharyngeal predisposition cancer syndrome. Last evaluated: 2024-05-23. Review status: criteria provided, single submitter. Criteria: ACMG Guidelines, 2015. Collection method: clinical testing. Allele origin: germline.

Labcorp Genetics (formerly Invitae), Labcorp
Classification: Uncertain significance. Last evaluated: 2024-01-18. Review status: criteria provided, single submitter. Criteria: Invitae Variant Classification Sherloc (09022015). Collection method: clinical testing. Allele origin: germline.
Comment: This sequence change falls in intron 1 of the ATR gene. It does not directly change the encoded amino acid sequence of the ATR protein. It affects a nucleotide within the consensus splice site. This variant is present in population databases (rs758046042, gnomAD 0.04%). This variant has not been reported in the literature in individuals affected with ATR-related conditions. ClinVar contains an entry for this variant (Variation ID: 343630). Variants that disrupt the consensus splice site are a relatively common cause of aberrant splicing (PMID: 17576681, 9536098). Algorithms developed to predict the effect of sequence changes on RNA splicing suggest that this variant is not likely to affect RNA splicing. In summary, the available evidence is currently insufficient to determine the role of this variant in disease. Therefore, it has been classified as a Variant of Uncertain Significance.

GeneDx
Classification: Likely benign. Last evaluated: 2018-08-01. Review status: criteria provided, single submitter. Criteria: GeneDx Variant Classification Process June 2021. Collection method: clinical testing. Allele origin: germline. Affected: yes.

Illumina Laboratory Services, Illumina
Classification: Uncertain significance for Seckel syndrome 1. Last evaluated: 2018-01-12. Review status: criteria provided, single submitter. Criteria: ICSL Variant Classification Criteria 13 December 2019. Collection method: clinical testing. Allele origin: germline.

Literature cited by the submitters: PubMed 17576681 (cited by Labcorp Genetics (formerly Invitae), Labcorp); PubMed 9536098 (cited by Labcorp Genetics (formerly Invitae), Labcorp).

NM_001184.4(ATR):c.59+4G>A

Genes: ATR (ATR checkpoint kinase; minus strand), LOC129937703 (ATAC-STARR-seq lymphoblastoid active region 20643; plus strand). Cytogenetic location: 3q23.
Variant type: single nucleotide variant.
Coding change: c.59+4G>A on transcript NM_001184.4 (MANE Select); 4 bases into the intron after coding-DNA position 59, G replaced by A.
Molecular consequence: intron variant.
Genome position (GRCh38, 1-based): chr3:142,578,642, C>T on the plus strand (G>A on the coding strand, the complement: ATR is on the minus strand). VCF-style: chr3-142578642-C-T. GRCh37 (hg19) VCF-style: chr3-142297484-C-T.
Other names: c.59+4G>A (NM_001354579.2).
Identifiers: ClinVar variation 343630 (VCV000343630.15), dbSNP rs758046042, ClinGen allele CA2650865.